The following is an entry in ClinVar:

ClinVar aggregate classification (germline): Pathogenic (1 of 4 stars; one submission).

Submission:

GeneDx
Classification: Pathogenic. Last evaluated: 2024-05-02. Review status: criteria provided, single submitter. Criteria: GeneDx Variant Classification Process June 2021. Collection method: clinical testing. Allele origin: germline. Affected: yes.
Comment: Canonical splice site variant predicted to result in a null allele in a gene for which loss of function is a known mechanism of disease; Not observed at significant frequency in large population cohorts (gnomAD); This variant is associated with the following publications: (PMID: 23300259)

NM_001009944.3(PKD1):c.10405+1G>A

Gene: PKD1 (polycystin 1, transient receptor potential channel interacting; minus strand). Cytogenetic location: 16p13.3.
Variant type: single nucleotide variant.
Coding change: c.10405+1G>A on transcript NM_001009944.3 (MANE Select); the canonical splice donor site of the intron after coding-DNA position 10405, G replaced by A.
Molecular consequence: splice donor variant.
Genome position (GRCh38, 1-based): chr16:2,097,318, C>T on the plus strand (G>A on the coding strand, the complement: PKD1 is on the minus strand). VCF-style: chr16-2097318-C-T. GRCh37 (hg19) VCF-style: chr16-2147319-C-T.
Other names: c.10402+1G>A (NM_000296.4).
Identifiers: ClinVar variation 3373661 (VCV003373661.1).
Genomic context (GRCh38, chr16:2,097,318, plus strand): 5'-CATAGGGTGGGCCCAGCTGCAAGGGTGAGCTTCAGAGCCCCCTCCTCTCACCCCAGCTCA[C>T]CTGATGCTGAGAAGGATTTGGCAGGCGAGTAGGGGCTGGCCAGGGAGAAGCCGTCCTCCT-3'